The following is an entry in ClinVar:

ClinVar aggregate classification (germline): Conflicting classifications of pathogenicity. Review status: criteria provided, conflicting classifications (1 of 4 stars). 3 submissions from 3 submitters: Likely pathogenic (1); Uncertain significance (2). Last evaluated 2025-06-23.

Conditions:
Mucopolysaccharidosis, MPS-IV-A (MPS4A). Also called: Morquio syndrome A, mild; MORQUIO SYNDROME A; Mucopolysaccharidosis type IV A; Mucopolysaccharidosis Type IVA; GALACTOSAMINE-6-SULFATASE DEFICIENCY; GALNS DEFICIENCY. Identifiers: Orphanet 309297, Orphanet 582, MedGen C0086651, MONDO:0009659, OMIM 253000.

Allele frequency attached by ClinVar (database versions not stated): TOPMed 0.00004; ESP Exome Variant Server 0.00015.
gnomAD v4.1: 17 of 1,613,980 alleles (0.0011%); highest among the groups gnomAD compares: African/African-American, 0.0093%; no homozygotes.

Submissions (3):

Labcorp Genetics (formerly Invitae), Labcorp
Classification: Likely pathogenic for Mucopolysaccharidosis, MPS-IV-A. Last evaluated: 2025-06-23. Review status: criteria provided, single submitter. Criteria: Invitae Variant Classification Sherloc (09022015). Collection method: clinical testing. Allele origin: germline.
Comment: This sequence change replaces alanine, which is neutral and non-polar, with threonine, which is neutral and polar, at codon 234 of the GALNS protein (p.Ala234Thr). This variant is present in population databases (rs368603508, gnomAD 0.008%). This missense change has been observed in individual(s) with clinical features of GALNS-related conditions (PMID: 34387910; internal data). In at least one individual the data is consistent with being in trans (on the opposite chromosome) from a pathogenic variant. ClinVar contains an entry for this variant (Variation ID: 1020100). Invitae Evidence Modeling of protein sequence and biophysical properties (such as structural, functional, and spatial information, amino acid conservation, physicochemical variation, residue mobility, and thermodynamic stability) indicates that this missense variant is expected to disrupt GALNS protein function with a positive predictive value of 95%. In summary, the currently available evidence indicates that the variant is pathogenic, but additional data are needed to prove that conclusively. Therefore, this variant has been classified as Likely Pathogenic.

Genome-Nilou Lab
Classification: Uncertain significance for Mucopolysaccharidosis, MPS-IV-A. Last evaluated: 2021-11-07. Review status: criteria provided, single submitter. Criteria: ACMG Guidelines, 2015. Collection method: clinical testing. Allele origin: germline. Affected: no.

Laboratory of Diagnosis and Therapy of Lysosomal Disorders, University of Padova
Classification: Uncertain significance for Mucopolysaccharidosis, MPS-IV-A. Last evaluated: 2021-02-01. Review status: criteria provided, single submitter. Criteria: ACMG Guidelines, 2015. Collection method: research. Allele origin: germline. Affected: yes.
Comment: The prevalence of the variant in affected individuals is significantly increased compared with the prevalence in controls (PS4_supporting); absent from gnomAD v2.1.1 (PM2_moderate)

Literature cited by the submitters: PubMed 34387910 (cited by Labcorp Genetics (formerly Invitae), Labcorp and Laboratory of Diagnosis and Therapy of Lysosomal Disorders, University of Padova).

NM_000512.5(GALNS):c.700G>A (p.Ala234Thr)

Gene: GALNS (galactosamine (N-acetyl)-6-sulfatase; minus strand). Cytogenetic location: 16q24.3.
Variant type: single nucleotide variant.
Coding change: c.700G>A on transcript NM_000512.5 (MANE Select); coding-DNA position 700, G replaced by A.
Protein change: p.Ala234Thr; replaces alanine 234 with threonine.
Molecular consequence: missense variant.
Genome position (GRCh38, 1-based): chr16:88,835,783, C>T on the plus strand (G>A on the coding strand, the complement: GALNS is on the minus strand). VCF-style: chr16-88835783-C-T. GRCh37 (hg19) VCF-style: chr16-88902191-C-T.
Other names: c.145G>A, p.Ala49Thr (NM_001323543.2); c.718G>A, p.Ala240Thr (NM_001323544.2); short protein forms A234T, A240T, A49T.
Identifiers: ClinVar variation 1020100 (VCV001020100.14), dbSNP rs368603508, ClinGen allele CA8235024.